The following is an entry in ClinVar:

NM_031220.4(PITPNM3):c.2160C>T (p.Gly720=)

Gene: PITPNM3 (PITPNM family member 3; minus strand). Cytogenetic location: 17p13.2.
Variant type: single nucleotide variant.
Coding change: c.2160C>T on transcript NM_031220.4 (MANE Select); coding-DNA position 2160, C replaced by T.
Protein change: p.Gly720=; no amino-acid change (glycine 720 retained).
Molecular consequence: synonymous variant.
Genome position (GRCh38, 1-based): chr17:6,463,878, G>A on the plus strand (C>T on the coding strand, the complement: PITPNM3 is on the minus strand). VCF-style: chr17-6463878-G-A. GRCh37 (hg19) VCF-style: chr17-6367198-G-A.
Other names: c.2052C>T, p.Gly684= (NM_001165966.2).
Identifiers: ClinVar variation 712629 (VCV000712629.15), dbSNP rs181321395, ClinGen allele CA8329250.
Genomic context (GRCh38, chr17:6,463,878, plus strand): 5'-CACTACACACTCCATGCCCCTGGGCAACACCGTGAGGTAGCTCATGGCACAGGTCTGGTC[G>A]CCCCTGAAAGAAACCTGCCTGTGGTCAGCCGTGAGGTCAGGGTCAGACGTTAGCCGGAAT-3'
Protein context (NP_112497.2, residues 710-730): GVYPVKMVVR[Gly720=]DQTCAMSYLT

ClinVar aggregate classification (germline): Benign/Likely benign. Review status: criteria provided, multiple submitters, no conflicts (2 of 4 stars). 4 submissions from 4 submitters: Benign (2); Likely benign (1). 1 of the submissions does not count toward it. Last evaluated 2026-01-27.

Conditions:
PITPNM3-related disorder. Also called: PITPNM3-related condition.

Allele frequency attached by ClinVar (database versions not stated): ESP Exome Variant Server 0.00015; gnomAD 0.00020 and 0.00023; gnomAD exomes 0.00034 and 0.00133; 1000 Genomes Project 30x 0.00078; 1000 Genomes Project 0.00080; TOPMed 0.00082; ExAC 0.00107.
gnomAD v4.1: 525 of 1,613,854 alleles (0.033%); highest among the groups gnomAD compares: Admixed American, 0.7%; no homozygotes.

Submissions (4):

Labcorp Genetics (formerly Invitae), Labcorp
Classification: Benign. Last evaluated: 2026-01-27. Review status: criteria provided, single submitter. Criteria: Invitae Variant Classification Sherloc (09022015). Collection method: clinical testing. Allele origin: germline.

Blueprint Genetics
Classification: Likely benign. Last evaluated: 2024-11-25. Review status: criteria provided, single submitter. Criteria: ACMG Guidelines, 2015. Collection method: clinical testing. Allele origin: germline.

Breakthrough Genomics
Classification: Benign. Review status: criteria provided, single submitter. Criteria: ACMG Guidelines, 2015. Collection method: not provided. Allele origin: germline. Inheritance: Autosomal dominant inheritance. Affected: yes.

PreventionGenetics, part of Exact Sciences
Classification: Benign for PITPNM3-related condition. Last evaluated: 2019-06-12. Review status: no assertion criteria provided. Collection method: clinical testing. Allele origin: germline. Not counted in ClinVar's aggregate classification.
Comment: This variant is classified as benign based on ACMG/AMP sequence variant interpretation guidelines (Richards et al. 2015 PMID: 25741868, with internal and published modifications).